The following is an entry in ClinVar:

ClinVar aggregate classification (germline): Uncertain significance (1 of 4 stars; one submission).

Conditions:
Glycogen storage disease, type II (IOPD). Also called: Pompe Disease; CARDIOMEGALIA GLYCOGENICA DIFFUSA; GLYCOGENOSIS, GENERALIZED, CARDIAC FORM; GSD II; POMPE DISEASE, INFANTILE-ONSET; GLYCOGEN STORAGE DISEASE II, INFANTILE-ONSET. Identifiers: Orphanet 365, MedGen C0017921, MONDO:0009290, OMIM 232300.

Submission:

Genomenon, Inc
Classification: Uncertain significance for Glycogen storage disease, type II. Last evaluated: 2026-07-01. Review status: criteria provided, single submitter. Criteria: Genomenon Sequence Variant Interpretation Standards - Updated. Collection method: curation. Allele origin: germline. Affected: no.
Comment: GAA p.Cys108Gly (c.322T>G) is a missense variant that changes the amino acid at codon 108 from Cysteine to Glycine. This variant has been reported in the published literature (PMID:22644586). At least one functional study has demonstrated a substantial alteration in protein function relative to the wild-type (PMID:22644586). It is absent or not present at a significant frequency in gnomAD. In silico models predict that this variant is possibly or probably damaging. In conclusion, we classify GAA p.Cys108Gly (c.322T>G) as a variant of uncertain significance.

Literature cited by the submitters: PubMed 22644586.

NM_000152.5(GAA):c.322T>G (p.Cys108Gly)

Gene: GAA (alpha glucosidase; plus strand). Cytogenetic location: 17q25.3.
Variant type: single nucleotide variant.
Coding change: c.322T>G on transcript NM_000152.5 (MANE Select); coding-DNA position 322, T replaced by G.
Protein change: p.Cys108Gly; replaces cysteine 108 with glycine.
Molecular consequence: missense variant.
Genome position (GRCh38, 1-based): chr17:80,104,908, T>G. VCF-style: chr17-80104908-T-G. GRCh37 (hg19) VCF-style: chr17-78078707-T-G.
Other names: c.322T>G, p.Cys108Gly (NM_001079803.3, NM_001079804.3, NM_001406741.1 and 1 more transcripts); short protein forms C108G.
Identifiers: ClinVar variation 4876451 (VCV004876451.1).